The following is an entry in ClinVar:

NM_001040108.2(MLH3):c.1852del (p.Thr618fs)

Gene: MLH3 (mutL homolog 3; minus strand). Cytogenetic location: 14q24.3.
Variant type: Deletion.
Coding change: c.1852del on transcript NM_001040108.2 (MANE Select); coding-DNA position 1852, one base deleted (A; older notation c.1852delA).
Protein change: p.Thr618fs; shifts the reading frame from threonine 618.
Molecular consequence: frameshift variant.
Genome position (GRCh38, 1-based): chr14:75,047,804, T deleted on the plus strand (A on the coding strand, the reverse complement: MLH3 is on the minus strand); the first of 6 consecutive T bases (chr14:75,047,804-75,047,809); deleting any one gives the same sequence. VCF-style (leftmost placement, unchanged base first): chr14-75047803-GT-G. GRCh37 (hg19) VCF-style: chr14-75514506-GT-G.
Other names: c.1852del, p.Thr618fs (NM_014381.3); short protein forms T618fs.
Identifiers: ClinVar variation 4876026 (VCV004876026.1).

ClinVar aggregate classification (germline): Pathogenic (1 of 4 stars; one submission).

Conditions:
Colorectal cancer, hereditary nonpolyposis, type 7. Identifiers: Orphanet 144, MedGen C1858380, MONDO:0013725, OMIM 614385.

Submission:

Myriad Genetics, Inc.
Classification: Pathogenic for Colorectal cancer, hereditary nonpolyposis, type 7. Last evaluated: 2026-04-30. Review status: criteria provided, single submitter. Criteria: Myriad Autosomal Dominant, Autosomal Recessive and X-Linked Classification Criteria (2023). Collection method: clinical testing. Allele origin: unknown.
Comment: This variant is considered pathogenic. This variant creates a frameshift predicted to result in premature protein truncation.